The following is an entry in ClinVar:

NM_020163.3(SEMA3G):c.82C>T (p.Pro28Ser)

Gene: SEMA3G (semaphorin 3G; minus strand). Cytogenetic location: 3p21.1.
Variant type: single nucleotide variant.
Coding change: c.82C>T on transcript NM_020163.3 (MANE Select); coding-DNA position 82, C replaced by T.
Protein change: p.Pro28Ser; replaces proline 28 with serine.
Molecular consequence: missense variant.
Genome position (GRCh38, 1-based): chr3:52,444,946, G>A on the plus strand (C>T on the coding strand, the complement: SEMA3G is on the minus strand). VCF-style: chr3-52444946-G-A. GRCh37 (hg19) VCF-style: chr3-52478962-G-A.
Other names: c.82C>T (NM_020163.1); short protein forms P28S.
Identifiers: ClinVar variation 3031779 (VCV003031779.3), dbSNP rs920428652, ClinGen allele CA74769895.

ClinVar aggregate classification (germline): Uncertain significance. Review status: criteria provided, single submitter (1 of 4 stars). 2 submissions from 2 submitters: Uncertain significance (1). 1 of the submissions does not count toward it. Last evaluated 2025-08-26.

Conditions:
SEMA3G-related disorder. Also called: SEMA3G-related condition.

Allele frequency attached by ClinVar (database versions not stated): gnomAD 0.00001; TOPMed 0.00003; gnomAD exomes 0.00011.
gnomAD v4.1: 128 of 1,302,832 alleles (0.0098%); highest among the groups gnomAD compares: Non-Finnish European, 0.011%; no homozygotes.

Submissions (2):

Ambry Genetics
Classification: Uncertain significance. Last evaluated: 2025-08-26. Review status: criteria provided, single submitter. Criteria: Ambry Variant Classification Scheme 2023. Collection method: clinical testing. Allele origin: germline.

PreventionGenetics, part of Exact Sciences
Classification: Uncertain significance for SEMA3G-related condition. Last evaluated: 2024-05-08. Review status: no assertion criteria provided. Collection method: clinical testing. Allele origin: germline. Not counted in ClinVar's aggregate classification.
Comment: The SEMA3G c.82C>T variant is predicted to result in the amino acid substitution p.Pro28Ser. To our knowledge, this variant has not been reported in the literature. This variant is reported in 0.0042% of alleles in individuals of European (non-Finnish) descent in gnomAD. At this time, the clinical significance of this variant is uncertain due to the absence of conclusive functional and genetic evidence.